The following is an entry in ClinVar:

ClinVar aggregate classification (germline): Benign/Likely benign. Review status: criteria provided, multiple submitters, no conflicts (2 of 4 stars). 6 submissions from 6 submitters: Benign (2); Likely benign (3). 1 of the submissions does not count toward it. Last evaluated 2026-01-15.

Conditions:
Primary myelofibrosis. Also called: Myelofibrosis, somatic. Identifiers: Orphanet 824, MedGen C0001815, MeSH D055728, MONDO:0009692, OMIM 254450.
Thrombocythemia 3 (THCYT3). Also called: THROMBOCYTHEMIA 3, SOMATIC; THROMBOCYTOSIS 3. Identifiers: MedGen C3281125, MONDO:0013794, OMIM 614521.
Primary familial polycythemia due to EPO receptor mutation. Also called: ERYTHROCYTOSIS, SOMATIC; Erythrocytosis, familial, 1; Primary Familial Congenital Polycythemia; POLYCYTHEMIA, PRIMARY FAMILIAL AND CONGENITAL. Identifiers: Orphanet 90042, MedGen C4551637, MONDO:0007572, OMIM 133100.
Acquired polycythemia vera. Also called: Polycythemia vera, somatic; POLYCYTHEMIA RUBRA VERA; Suspected polycythemia vera. Identifiers: Orphanet 729, MedGen C0032463, MeSH D011087, MONDO:0009891, OMIM 263300.
Budd-Chiari syndrome (BDCHS). Also called: Hepatic vein obstruction. Identifiers: Orphanet 131, MedGen C0856761, MONDO:0010947, OMIM 600880, HP:0002639.
Acute myeloid leukemia (AML). Also called: Acute myeloid leukemia, adult; AML adult; Acute non-lymphocytic leukemia; Acute granulocytic leukemia; Leukemia, acute myelogenous, somatic; Leukemia, acute myeloid, somatic. Identifiers: Orphanet 519, MedGen C0023467, MeSH D015470, MONDO:0018874, OMIM 601626, HP:0004808. Disease mechanism: Constitutively activated FLT3.

Allele frequency attached by ClinVar (database versions not stated): gnomAD 0.00048 and 0.00071; TOPMed 0.00074; 1000 Genomes Project 0.00359; 1000 Genomes Project 30x 0.00375.
gnomAD v4.1: 834 of 1,612,238 alleles (0.052%); highest among the groups gnomAD compares: East Asian, 1.3%; 13 homozygotes.

Submissions (6):

Labcorp Genetics (formerly Invitae), Labcorp
Classification: Benign. Last evaluated: 2026-01-15. Review status: criteria provided, single submitter. Criteria: Invitae Variant Classification Sherloc (09022015). Collection method: clinical testing. Allele origin: germline.

ARUP Laboratories, Molecular Genetics and Genomics, ARUP Laboratories
Classification: Likely benign. Last evaluated: 2024-08-27. Review status: criteria provided, single submitter. Criteria: ARUP Molecular Germline Variant Investigation Process 2024. Collection method: clinical testing. Allele origin: germline.

CeGaT Center for Human Genetics Tuebingen
Classification: Benign. Last evaluated: 2024-07-01. Review status: criteria provided, single submitter. Criteria: CeGaT Center For Human Genetics Tuebingen Variant Classification Criteria Version 2. Collection method: clinical testing. Allele origin: germline. Affected: yes. Observed: 1 variant allele.
Comment: JAK2: BS1, BS2

Mayo Clinic Laboratories, Mayo Clinic
Classification: Likely benign. Last evaluated: 2024-02-23. Review status: criteria provided, single submitter. Criteria: ACMG Guidelines, 2015. Collection method: clinical testing. Allele origin: germline. Observed: 2 variant alleles.
Comment: BS1, BP4

Fulgent Genetics
Classification: Likely benign for Primary familial polycythemia due to EPO receptor mutation; Primary myelofibrosis; Acquired polycythemia vera; Budd-Chiari syndrome; Acute myeloid leukemia; Thrombocythemia 3. Last evaluated: 2022-02-10. Review status: criteria provided, single submitter. Criteria: ACMG Guidelines, 2015. Collection method: clinical testing. Allele origin: unknown.

ITMI
No classification provided. Condition: AllHighlyPenetrant. Last evaluated: 2013-09-19. Review status: no classification provided. Collection method: reference population. Allele origin: germline. Not counted in ClinVar's aggregate classification.
Comment: Please see associated publication for description of ethnicities

Literature cited by the submitters: PubMed 22168550 (cited by Mayo Clinic Laboratories, Mayo Clinic); PubMed 26118316 (cited by Mayo Clinic Laboratories, Mayo Clinic); PubMed 24728327 (cited by ITMI).

NM_004972.4(JAK2):c.380G>A (p.Gly127Asp)

Genes: INSL6 (insulin like 6; minus strand), JAK2 (Janus kinase 2; plus strand). Cytogenetic location: 9p24.1.
Variant type: single nucleotide variant.
Coding change: c.380G>A on transcript NM_004972.4 (MANE Select); coding-DNA position 380, G replaced by A.
Protein change: p.Gly127Asp; replaces glycine 127 with aspartic acid.
Molecular consequence: missense variant. On other transcripts: 5 prime UTR variant (3), non-coding transcript variant (2).
Genome position (GRCh38, 1-based): chr9:5,044,432, G>A. VCF-style: chr9-5044432-G-A. GRCh37 (hg19) VCF-style: chr9-5044432-G-A.
Other names: c.380G>A, p.Gly127Asp (NM_001322194.2, NM_001322195.2, NM_001322196.2); c.-741G>A (NM_001322198.2, NM_001322199.2); c.-68G>A (NM_001322204.2); short protein forms G127D.
Identifiers: ClinVar variation 134559 (VCV000134559.30), dbSNP rs56118985, ClinGen allele CA160183.